The following is an entry in ClinVar:

NM_020719.3(PRR12):c.5392A>G (p.Arg1798Gly)

Gene: PRR12 (proline rich 12; plus strand). Cytogenetic location: 19q13.33.
Variant type: single nucleotide variant.
Coding change: c.5392A>G on transcript NM_020719.3 (MANE Select); coding-DNA position 5392, A replaced by G.
Protein change: p.Arg1798Gly; replaces arginine 1798 with glycine.
Molecular consequence: missense variant.
Genome position (GRCh38, 1-based): chr19:49,616,114, A>G. VCF-style: chr19-49616114-A-G. GRCh37 (hg19) VCF-style: chr19-50119371-A-G.
Other names: short protein forms R1798G.
Identifiers: ClinVar variation 4086369 (VCV004086369.1).

ClinVar aggregate classification (germline): Uncertain significance (1 of 4 stars; one submission).

Submission:

GeneDx
Classification: Uncertain significance. Last evaluated: 2025-03-19. Review status: criteria provided, single submitter. Criteria: GeneDx Variant Classification Process June 2021. Collection method: clinical testing. Allele origin: germline. Affected: yes.
Comment: Not observed at significant frequency in large population cohorts (gnomAD); In silico analysis supports that this missense variant has a deleterious effect on protein structure/function; Has not been previously published as pathogenic or benign to our knowledge